The following is an entry in ClinVar:

NM_000554.6(CRX):c.626G>A (p.Gly209Glu)

Gene: CRX (cone-rod homeobox; plus strand). Cytogenetic location: 19q13.33.
Variant type: single nucleotide variant.
Coding change: c.626G>A on transcript NM_000554.6 (MANE Select); coding-DNA position 626, G replaced by A.
Protein change: p.Gly209Glu; replaces glycine 209 with glutamic acid.
Molecular consequence: missense variant.
Genome position (GRCh38, 1-based): chr19:47,839,693, G>A. VCF-style: chr19-47839693-G-A. GRCh37 (hg19) VCF-style: chr19-48342950-G-A.
Other names: short protein forms G209E.
Identifiers: ClinVar variation 1024649 (VCV001024649.8), dbSNP rs1968170166, ClinGen allele CA406631312.

ClinVar aggregate classification (germline): Uncertain significance (1 of 4 stars; one submission).

Conditions:
Cone-rod dystrophy 2 (CORD2). Also called: CONE-ROD RETINAL DYSTROPHY; Cone-rod retinal dystrophy 2. Identifiers: Orphanet 1872, MedGen C3489532, MONDO:0007362, OMIM 120970.
Leber congenital amaurosis 7 (LCA7). Identifiers: Orphanet 65, MedGen C3151192, MONDO:0013449, OMIM 613829.

Allele frequency attached by ClinVar (database versions not stated): gnomAD exomes below 0.00001.
gnomAD v4.1: 1 of 1,613,858 alleles (0.000062%); highest among the groups gnomAD compares: East Asian, 0.0022%; no homozygotes.

Submission:

Labcorp Genetics (formerly Invitae), Labcorp
Classification: Uncertain significance for Cone-rod dystrophy 2; Leber congenital amaurosis 7. Last evaluated: 2022-02-04. Review status: criteria provided, single submitter. Criteria: Invitae Variant Classification Sherloc (09022015). Collection method: clinical testing. Allele origin: germline.
Comment: This variant has not been reported in the literature in individuals affected with CRX-related conditions. In summary, the available evidence is currently insufficient to determine the role of this variant in disease. Therefore, it has been classified as a Variant of Uncertain Significance. Algorithms developed to predict the effect of missense changes on protein structure and function are either unavailable or do not agree on the potential impact of this missense change (SIFT: "Deleterious"; PolyPhen-2: "Benign"; Align-GVGD: "Class C15"). ClinVar contains an entry for this variant (Variation ID: 1024649). This variant is not present in population databases (gnomAD no frequency). This sequence change replaces glycine, which is neutral and non-polar, with glutamic acid, which is acidic and polar, at codon 209 of the CRX protein (p.Gly209Glu).